The following is an entry in ClinVar:

NM_152383.5(DIS3L2):c.2612A>T (p.Glu871Val)

Gene: DIS3L2 (DIS3 like 3'-5' exoribonuclease 2; plus strand). Cytogenetic location: 2q37.1.
Variant type: single nucleotide variant.
Coding change: c.2612A>T on transcript NM_152383.5 (MANE Select); coding-DNA position 2612, A replaced by T.
Protein change: p.Glu871Val; replaces glutamic acid 871 with valine.
Molecular consequence: missense variant. On other transcripts: non-coding transcript variant (2), intron variant (1).
Genome position (GRCh38, 1-based): chr2:232,336,584, A>T. VCF-style: chr2-232336584-A-T. GRCh37 (hg19) VCF-style: chr2-233201294-A-T.
Other names: c.1582-6761A>T (NM_001257281.2); short protein forms E871V.
Identifiers: ClinVar variation 956962 (VCV000956962.7), dbSNP rs767746972, ClinGen allele CA2164632.

ClinVar aggregate classification (germline): Uncertain significance. Review status: criteria provided, multiple submitters, no conflicts (2 of 4 stars). 2 submissions from 2 submitters: Uncertain significance (2). Last evaluated 2025-12-06.

Conditions:
DIS3L2-related disorder. Also called: DIS3L2-related condition.
Perlman syndrome (PRLMNS). Identifiers: Orphanet 2849, MedGen C0796113, MONDO:0009965, OMIM 267000.

Allele frequency attached by ClinVar (database versions not stated): gnomAD exomes below 0.00001 and 0.00001; ExAC 0.00002; gnomAD 0.00003 and 0.00004; TOPMed 0.00004.
gnomAD v4.1: 8 of 1,608,478 alleles (0.0005%); highest among the groups gnomAD compares: African/African-American, 0.011%; no homozygotes.

Submissions (2):

PreventionGenetics, part of Exact Sciences
Classification: Uncertain significance for DIS3L2-related condition. Last evaluated: 2025-12-06. Review status: criteria provided, single submitter. Criteria: ACMG Guidelines, 2015. Collection method: clinical testing. Allele origin: germline.
Comment: The DIS3L2 c.2612A>T variant is predicted to result in the amino acid substitution p.Glu871Val. To our knowledge, this variant has not been reported in the literature. This variant is reported in 0.020% of alleles in individuals of African descent in gnomAD. At this time, the clinical significance of this variant is uncertain due to the absence of conclusive functional and genetic evidence.

Labcorp Genetics (formerly Invitae), Labcorp
Classification: Uncertain significance for Perlman syndrome. Last evaluated: 2025-11-25. Review status: criteria provided, single submitter. Criteria: Invitae Variant Classification Sherloc (09022015). Collection method: clinical testing. Allele origin: germline.
Comment: This sequence change replaces glutamic acid, which is acidic and polar, with valine, which is neutral and non-polar, at codon 871 of the DIS3L2 protein (p.Glu871Val). This variant is present in population databases (rs767746972, gnomAD 0.02%). This variant has not been reported in the literature in individuals affected with DIS3L2-related conditions. ClinVar contains an entry for this variant (Variation ID: 956962). Experimental studies and prediction algorithms are not available or were not evaluated, and the functional significance of this variant is currently unknown. In summary, the available evidence is currently insufficient to determine the role of this variant in disease. Therefore, it has been classified as a Variant of Uncertain Significance.